The following is an entry in ClinVar:

ClinVar aggregate classification (germline): Likely benign. Review status: criteria provided, multiple submitters, no conflicts (2 of 4 stars). 4 submissions from 4 submitters: Likely benign (3). 1 of the submissions does not count toward it. Last evaluated 2025-12-14.

Conditions:
CDH1-related disorder. Also called: CDH1-related condition.
Hereditary diffuse gastric adenocarcinoma (HDGC). Also called: DIFFUSE GASTRIC AND LOBULAR BREAST CANCER SYNDROME. Identifiers: Orphanet 26106, MedGen C1708349, MONDO:0007648, OMIM 137215.

Allele frequency attached by ClinVar (database versions not stated): TOPMed below 0.00001; gnomAD 0.00001.
gnomAD v4.1: 1 of 1,613,886 alleles (0.000062%); no homozygotes.

Submissions (4):

Labcorp Genetics (formerly Invitae), Labcorp
Classification: Likely benign for Hereditary diffuse gastric adenocarcinoma. Last evaluated: 2025-12-14. Review status: criteria provided, single submitter. Criteria: Invitae Variant Classification Sherloc (09022015). Collection method: clinical testing. Allele origin: germline.

Myriad Genetics, Inc.
Classification: Likely benign for Hereditary diffuse gastric adenocarcinoma. Last evaluated: 2024-09-17. Review status: criteria provided, single submitter. Criteria: Myriad Autosomal Dominant, Autosomal Recessive and X-Linked Classification Criteria (2023). Collection method: clinical testing. Allele origin: unknown.
Comment: This variant is considered likely benign. This variant is intronic and is not expected to impact mRNA splicing.

CeGaT Center for Human Genetics Tuebingen
Classification: Likely benign. Last evaluated: 2022-03-01. Review status: criteria provided, single submitter. Criteria: CeGaT Center For Human Genetics Tuebingen Variant Classification Criteria Version 2. Collection method: clinical testing. Allele origin: germline. Affected: yes. Observed: 1 variant allele.
Comment: CDH1: BP4

PreventionGenetics, part of Exact Sciences
Classification: Likely benign for CDH1-related condition. Last evaluated: 2023-06-22. Review status: no assertion criteria provided. Collection method: clinical testing. Allele origin: germline. Not counted in ClinVar's aggregate classification.
Comment: This variant is classified as likely benign based on ACMG/AMP sequence variant interpretation guidelines (Richards et al. 2015 PMID: 25741868, with internal and published modifications).

NM_004360.5(CDH1):c.1008+8G>A

Gene: CDH1 (cadherin 1; plus strand). Cytogenetic location: 16q22.1.
Variant type: single nucleotide variant.
Coding change: c.1008+8G>A on transcript NM_004360.5 (MANE Select); 8 bases into the intron after coding-DNA position 1008, G replaced by A.
Molecular consequence: intron variant.
Genome position (GRCh38, 1-based): chr16:68,811,867, G>A. VCF-style: chr16-68811867-G-A. GRCh37 (hg19) VCF-style: chr16-68845770-G-A.
Other names: c.1008+8G>A (NM_004360.4, NM_001317184.2, LRG_301t1); c.-608+8G>A (NM_001317185.2); c.-812+8G>A (NM_001317186.2).
Identifiers: ClinVar variation 463693 (VCV000463693.45), dbSNP rs990193541, ClinGen allele CA658658483.